The following is an entry in ClinVar:

NM_012186.3(FOXE3):c.266G>A (p.Gly89Asp)

Genes: FOXE3 (forkhead box E3; plus strand), LINC01389 (long independently transcribed non-coding RNA 1389; minus strand). Cytogenetic location: 1p33.
Variant type: single nucleotide variant.
Coding change: c.266G>A on transcript NM_012186.3 (MANE Select); coding-DNA position 266, G replaced by A.
Protein change: p.Gly89Asp; replaces glycine 89 with aspartic acid.
Molecular consequence: missense variant.
Genome position (GRCh38, 1-based): chr1:47,416,581, G>A. VCF-style: chr1-47416581-G-A. GRCh37 (hg19) VCF-style: chr1-47882253-G-A.
Other names: short protein forms G89D.
Identifiers: ClinVar variation 960209 (VCV000960209.10), dbSNP rs1289511554, ClinGen allele CA340249366.

ClinVar aggregate classification (germline): Uncertain significance (1 of 4 stars; one submission).

Conditions:
Congenital primary aphakia. Also called: Anterior segment dysgenesis 2, multiple subtypes; ANTERIOR SEGMENT DYSGENESIS 2. Identifiers: Orphanet 83461, MedGen C1853230, MONDO:0012456, OMIM 610256.
Anterior segment dysgenesis. Also called: Ocular anterior segment dysgenesis. Identifiers: Orphanet 88632, MedGen C1862839, MONDO:0019503, HP:0007700.

Allele frequency attached by ClinVar (database versions not stated): gnomAD exomes below 0.00001.
gnomAD v4.1: 2 of 1,605,744 alleles (0.00012%); highest among the groups gnomAD compares: Non-Finnish European, 0.00017%; no homozygotes.

Submission:

Labcorp Genetics (formerly Invitae), Labcorp
Classification: Uncertain significance for Anterior segment dysgenesis; Congenital primary aphakia. Last evaluated: 2025-11-21. Review status: criteria provided, single submitter. Criteria: Invitae Variant Classification Sherloc (09022015). Collection method: clinical testing. Allele origin: germline.
Comment: This sequence change replaces glycine, which is neutral and non-polar, with aspartic acid, which is acidic and polar, at codon 89 of the FOXE3 protein (p.Gly89Asp). The frequency data for this variant in the population databases is considered unreliable, as metrics indicate poor data quality at this position in the gnomAD database. This variant has not been reported in the literature in individuals affected with FOXE3-related conditions. ClinVar contains an entry for this variant (Variation ID: 960209). Invitae Evidence Modeling of protein sequence and biophysical properties (such as structural, functional, and spatial information, amino acid conservation, physicochemical variation, residue mobility, and thermodynamic stability) indicates that this missense variant is not expected to disrupt FOXE3 protein function with a negative predictive value of 95%. In summary, the available evidence is currently insufficient to determine the role of this variant in disease. Therefore, it has been classified as a Variant of Uncertain Significance.